The following is an entry in ClinVar:

ClinVar aggregate classification (germline): Uncertain significance. Review status: criteria provided, multiple submitters, no conflicts (2 of 4 stars). 3 submissions from 3 submitters: Uncertain significance (3). Last evaluated 2025-12-16.

Allele frequency attached by ClinVar (database versions not stated): gnomAD 0.00006 and 0.00005; ESP Exome Variant Server 0.00008.
gnomAD v4.1: 21 of 1,613,832 alleles (0.0013%); highest among the groups gnomAD compares: African/African-American, 0.013%; no homozygotes.

Submissions (3):

Labcorp Genetics (formerly Invitae), Labcorp
Classification: Uncertain significance. Last evaluated: 2025-12-16. Review status: criteria provided, single submitter. Criteria: Invitae Variant Classification Sherloc (09022015). Collection method: clinical testing. Allele origin: germline.
Comment: This sequence change replaces arginine, which is basic and polar, with histidine, which is basic and polar, at codon 324 of the SRP72 protein (p.Arg324His). This variant is present in population databases (rs149517121, gnomAD 0.02%). This variant has not been reported in the literature in individuals affected with SRP72-related conditions. ClinVar contains an entry for this variant (Variation ID: 1372058). Invitae Evidence Modeling of protein sequence and biophysical properties (such as structural, functional, and spatial information, amino acid conservation, physicochemical variation, residue mobility, and thermodynamic stability) indicates that this missense variant is not expected to disrupt SRP72 protein function with a negative predictive value of 80%. In summary, the available evidence is currently insufficient to determine the role of this variant in disease. Therefore, it has been classified as a Variant of Uncertain Significance.

Ambry Genetics
Classification: Uncertain significance. Last evaluated: 2024-10-05. Review status: criteria provided, single submitter. Criteria: Ambry Variant Classification Scheme 2023. Collection method: clinical testing. Allele origin: germline.
Comment: The p.R324H variant (also known as c.971G>A), located in coding exon 10 of the SRP72 gene, results from a G to A substitution at nucleotide position 971. The arginine at codon 324 is replaced by histidine, an amino acid with highly similar properties. This amino acid position is conserved. In addition, this alteration is predicted to be tolerated by in silico analysis. Based on the available evidence, the clinical significance of this variant remains unclear.

GeneDx
Classification: Uncertain significance. Last evaluated: 2024-01-10. Review status: criteria provided, single submitter. Criteria: GeneDx Variant Classification Process June 2021. Collection method: clinical testing. Allele origin: germline. Affected: yes.
Comment: In silico analysis supports that this missense variant does not alter protein structure/function; Has not been previously published as pathogenic or benign to our knowledge

NM_006947.4(SRP72):c.971G>A (p.Arg324His)

Gene: SRP72 (signal recognition particle 72; plus strand). Cytogenetic location: 4q12.
Variant type: single nucleotide variant.
Coding change: c.971G>A on transcript NM_006947.4 (MANE Select); coding-DNA position 971, G replaced by A.
Protein change: p.Arg324His; replaces arginine 324 with histidine.
Molecular consequence: missense variant. On other transcripts: non-coding transcript variant (1).
Genome position (GRCh38, 1-based): chr4:56,484,749, G>A. VCF-style: chr4-56484749-G-A. GRCh37 (hg19) VCF-style: chr4-57350915-G-A.
Other names: c.971G>A (NM_006947.3); c.788G>A, p.Arg263His (NM_001267722.2); short protein forms R263H, R324H.
Identifiers: ClinVar variation 1372058 (VCV001372058.10), dbSNP rs149517121, ClinGen allele CA2931244.